The following is an entry in ClinVar:

NM_001267550.2(TTN):c.15541GGA[1] (p.Gly5182del)

Gene: TTN (titin; minus strand). Cytogenetic location: 2q31.2.
Variant type: Microsatellite.
Coding change: c.15541GGA[1] on transcript NM_001267550.2 (MANE Select); one copy of the 3-base unit GGA starting at c.15541; the reference has two copies in a row; one copy, 3 bases deleted; also written c.15544_15546del.
Protein change: p.Gly5182del; deletes glycine 5182.
Molecular consequence: inframe deletion. On other transcripts: intron variant (3).
Genome position (GRCh38, 1-based): chr2:178,733,843-178,733,845, TCC deleted on the plus strand (GGA on the coding strand, the reverse complement: TTN is on the minus strand); deleting any 3 consecutive bases within chr2:178,733,843-178,733,849 gives the same sequence; the position shown is the placement nearest the transcript's 3' end. VCF-style (leftmost placement, unchanged base first): chr2-178733842-GTCC-G. GRCh37 (hg19) VCF-style: chr2-179598569-GTCC-G.
Other names: c.14590GGA[1], p.Gly4865del (NM_001256850.1); c.11809GGA[1], p.Gly3938del (NM_133378.4); c.13282+4237_13282+4239del (NM_003319.4); c.13858+4237_13858+4239del (NM_133437.4); c.13657+4237_13657+4239del (NM_133432.3); c.15544_15546del (NM_001267550.2); short protein forms G3938del, G4865del, G5182del.
Identifiers: ClinVar variation 3338082 (VCV003338082.1).

ClinVar aggregate classification (germline): Likely pathogenic (0 of 4 stars; one submission).

Conditions:
Autosomal recessive limb-girdle muscular dystrophy type 2J (LGMDR10). Also called: Limb-girdle muscular dystrophy, type 2J; MUSCULAR DYSTROPHY, LIMB-GIRDLE, AUTOSOMAL RECESSIVE 10. Identifiers: Orphanet 140922, MedGen C1837342, MONDO:0012127, OMIM 608807.

Submission:

Solve-RD Consortium
Classification: Likely pathogenic for Autosomal recessive limb-girdle muscular dystrophy type 2J. Last evaluated: 2022-06-01. Review status: no assertion criteria provided. Collection method: provider interpretation. Allele origin: inherited. Affected: yes.
Comment: Variant confirmed as disease-causing by referring clinical team

Variant identified during reanalysis of unsolved cases by the Solve-RD project. The Solve-RD project has received funding from the European Union’s Horizon 2020 research and innovation programme under grant agreement No 779257.

Literature cited by the submitters: PubMed 39825153.